The following is an entry in ClinVar:

ClinVar aggregate classification (germline): Uncertain significance (1 of 4 stars; one submission).

gnomAD v4.1: 1 of 1,614,042 alleles (0.000062%); highest among the groups gnomAD compares: Non-Finnish European, 0.000085%; no homozygotes.

Submission:

GeneDx
Classification: Uncertain significance. Last evaluated: 2024-02-07. Review status: criteria provided, single submitter. Criteria: GeneDx Variant Classification Process June 2021. Collection method: clinical testing. Allele origin: germline. Affected: yes.
Comment: Not observed at significant frequency in large population cohorts (gnomAD); In silico analysis supports that this missense variant has a deleterious effect on protein structure/function; Has not been previously published as pathogenic or benign to our knowledge

NM_004247.4(EFTUD2):c.2302C>G (p.Gln768Glu)

Gene: EFTUD2 (elongation factor Tu GTP binding domain containing 2; minus strand). Cytogenetic location: 17q21.31.
Variant type: single nucleotide variant.
Coding change: c.2302C>G on transcript NM_004247.4 (MANE Select); coding-DNA position 2302, C replaced by G.
Protein change: p.Gln768Glu; replaces glutamine 768 with glutamic acid.
Molecular consequence: missense variant.
Genome position (GRCh38, 1-based): chr17:44,854,314, G>C on the plus strand (C>G on the coding strand, the complement: EFTUD2 is on the minus strand). VCF-style: chr17-44854314-G-C. GRCh37 (hg19) VCF-style: chr17-42931682-G-C.
Other names: c.2197C>G, p.Gln733Glu (NM_001142605.2); c.2302C>G, p.Gln768Glu (NM_001258353.2); c.2272C>G, p.Gln758Glu (NM_001258354.2); short protein forms Q733E, Q758E, Q768E.
Identifiers: ClinVar variation 3368999 (VCV003368999.1).